The following is an entry in ClinVar:

NM_000077.5(CDKN2A):c.25A>T (p.Met9Leu)

Gene: CDKN2A (cyclin dependent kinase inhibitor 2A; minus strand). Cytogenetic location: 9p21.3.
Variant type: single nucleotide variant.
Coding change: c.25A>T on transcript NM_000077.5; coding-DNA position 25, A replaced by T.
Protein change: p.Met9Leu; replaces methionine 9 with leucine.
Molecular consequence: missense variant (on NM_000077.6). On other transcripts: intron variant (2).
Genome position (GRCh38, 1-based): chr9:21,974,803, T>A on the plus strand (A>T on the coding strand, the complement: CDKN2A is on the minus strand). VCF-style: chr9-21974803-T-A. GRCh37 (hg19) VCF-style: chr9-21974802-T-A.
Other names: c.25A>T, p.Met9Leu (NM_000077.6, NM_001195132.2, NM_058197.5); c.-3-3595A>T (NM_001363763.2); c.194-3595A>T (NM_058195.4); short protein forms M9L.
Identifiers: ClinVar variation 483321 (VCV000483321.22), dbSNP rs748866274, ClinGen allele CA373086696.
Genomic context (GRCh38, chr9:21,974,803, plus strand): 5'-GCACCTCCTCTACCCGACCCCGGGCCGCGGCCGTGGCCAGCCAGTCAGCCGAAGGCTCCA[T>A]GCTGCTCCCCGCCGCCGGCTCCATGCTGCTCCCCGCCGCCCGCTGCCTGCTCTCCCCCTC-3'
Protein context (NP_000068.1, residues 1-19): MEPAAGSS[Met9Leu]EPSADWLATA

ClinVar aggregate classification (germline): Uncertain significance. Review status: criteria provided, multiple submitters, no conflicts (2 of 4 stars). 6 submissions from 6 submitters: Uncertain significance (6). Last evaluated 2026-01-26.

Conditions:
Hereditary cancer-predisposing syndrome. Also called: Tumor predisposition; Hereditary Cancer Syndrome; Neoplastic Syndromes, Hereditary; Hereditary neoplastic syndrome. Identifiers: Orphanet 140162, MedGen C0027672, MeSH D009386, MONDO:0015356.
Melanoma and neural system tumor syndrome. Also called: MELANOMA-ASTROCYTOMA SYNDROME. Identifiers: Orphanet 252206, MedGen C1835042, MONDO:0007967, OMIM 155755.
Familial melanoma. Also called: Hereditary melanoma; Hereditary cutaneous melanoma. Identifiers: Orphanet 618, MedGen C1512419, MONDO:0018961.

Allele frequency attached by ClinVar (database versions not stated): gnomAD exomes 0.00001; gnomAD 0.00003.
gnomAD v4.1: 9 of 1,604,328 alleles (0.00056%); highest among the groups gnomAD compares: Admixed American, 0.0017%; no homozygotes.

Submissions (6):

Labcorp Genetics (formerly Invitae), Labcorp
Classification: Uncertain significance for Familial melanoma. Last evaluated: 2026-01-26. Review status: criteria provided, single submitter. Criteria: Invitae Variant Classification Sherloc (09022015). Collection method: clinical testing. Allele origin: germline.
Comment: This sequence change replaces methionine, which is neutral and non-polar, with leucine, which is neutral and non-polar, at codon 9 of the CDKN2A (p16INK4a) protein (p.Met9Leu). This variant is not present in population databases (gnomAD no frequency). This variant has not been reported in the literature in individuals affected with CDKN2A (p16INK4a)-related conditions. ClinVar contains an entry for this variant (Variation ID: 483321). An algorithm developed to predict the effect of missense changes on protein structure and function (PolyPhen-2) suggests that this variant is likely to be tolerated. In summary, the available evidence is currently insufficient to determine the role of this variant in disease. Therefore, it has been classified as a Variant of Uncertain Significance.

Ambry Genetics
Classification: Uncertain significance for Hereditary cancer-predisposing syndrome. Last evaluated: 2025-08-15. Review status: criteria provided, single submitter. Criteria: Ambry Variant Classification Scheme 2023. Collection method: clinical testing. Allele origin: germline.
Comment: The p.M9L variant (also known as c.25A>T), located in coding exon 1 of the CDKN2A gene, results from an A to T substitution at nucleotide position 25. The methionine at codon 9 is replaced by leucine, an amino acid with highly similar properties. This amino acid position is not well conserved in available vertebrate species. In addition, this alteration is predicted to be tolerated by in silico analysis. Based on the available evidence, the clinical significance of this variant remains unclear.

Color Diagnostics, LLC DBA Color Health
Classification: Uncertain significance for Hereditary cancer-predisposing syndrome. Last evaluated: 2025-02-19. Review status: criteria provided, single submitter. Criteria: ACMG Guidelines, 2015. Collection method: clinical testing. Allele origin: germline.
Comment: The CDKN2A locus encodes two different gene products, p16INK4a and p14ARF. This missense variant replaces methionine with leucine at codon 9 of the CDKN2A (p16INK4A) protein. Computational prediction suggests that this variant may not impact protein structure and function. To our knowledge, functional studies have not been reported for this variant. This variant has not been reported in individuals affected with hereditary cancer in the literature. This variant has been identified in 1/31298 chromosomes in the general population by the Genome Aggregation Database (gnomAD). The available evidence is insufficient to determine the role of this variant in disease conclusively. Therefore, this variant is classified as a Variant of Uncertain Significance.

GeneDx
Classification: Uncertain significance. Last evaluated: 2024-09-24. Review status: criteria provided, single submitter. Criteria: GeneDx Variant Classification Process June 2021. Collection method: clinical testing. Allele origin: germline.
Comment: Not observed at significant frequency in large population cohorts (gnomAD); In silico analysis indicates that this missense variant does not alter protein structure/function; Has not been previously published as pathogenic or benign to our knowledge; This variant is associated with the following publications: (PMID: 30981987, 30857943)

Women's Health and Genetics/Laboratory Corporation of America, LabCorp
Classification: Uncertain significance. Last evaluated: 2022-09-08. Review status: criteria provided, single submitter. Criteria: LabCorp Variant Classification Summary - May 2015. Collection method: clinical testing. Allele origin: germline.

Baylor Genetics
Classification: Uncertain significance for Melanoma and neural system tumor syndrome. Last evaluated: 2021-07-13. Review status: criteria provided, single submitter. Criteria: ACMG Guidelines, 2015. Collection method: clinical testing. Allele origin: maternal. Affected: yes. Study: CSER-TexasKidsCanSeq.
Comment: This variant was determined to be of uncertain significance according to ACMG Guidelines, 2015 [PMID:25741868].